The following is an entry in ClinVar:

NM_001903.5(CTNNA1):c.565_571delinsTAATGTT (p.Ile189_Ala191delinsTer)

Gene: CTNNA1 (catenin alpha 1; plus strand). Cytogenetic location: 5q31.2.
Variant type: Indel.
Coding change: c.565_571delinsTAATGTT on transcript NM_001903.5 (MANE Select); coding-DNA positions 565 to 571, ATTATGG replaced by TAATGTT.
Protein change: p.Ile189_Ala191delinsTer.
Molecular consequence: nonsense.
Genome position (GRCh38, 1-based): chr5:138,812,279-138,812,285, ATTATGG replaced by TAATGTT. VCF-style: chr5-138812279-ATTATGG-TAATGTT. GRCh37 (hg19) VCF-style: chr5-138147968-ATTATGG-TAATGTT.
Other names: c.565_571delinsTAATGTT, p.Ile189_Ala191delinsTer (NM_001290307.3, NM_001323982.2, NM_001323983.1 and 3 more transcripts); c.256_262delinsTAATGTT, p.Ile86_Ala88delinsTer (NM_001290309.3); c.196_202delinsTAATGTT, p.Ile66_Ala68delinsTer (NM_001290310.3).
Identifiers: ClinVar variation 968052 (VCV000968052.5), dbSNP rs1758902024, ClinGen allele CA1139659081.
Genomic context (GRCh38, chr5:138,812,279, plus strand): 5'-AATGAACAAGACTTAGGAATCCAGTATAAAGCCCTAAAACCTGAAGTGGATAAGCTGAAC[ATTATGG>TAATGTT]CAGCCAAAAGACAACAGGTACAGTCATGATTTGGGGATATATTAAAGTTGTTCATTTTAC-3'

ClinVar aggregate classification (germline): Pathogenic (1 of 4 stars; one submission).

Submission:

Labcorp Genetics (formerly Invitae), Labcorp
Classification: Pathogenic. Last evaluated: 2023-05-15. Review status: criteria provided, single submitter. Criteria: Invitae Variant Classification Sherloc (09022015). Collection method: clinical testing. Allele origin: germline.
Comment: This sequence change creates a premature translational stop signal (p.Ile189*) in the CTNNA1 gene. It is expected to result in an absent or disrupted protein product. Loss-of-function variants in CTNNA1 are known to be pathogenic (PMID: 32051609, 34425242). For these reasons, this variant has been classified as Pathogenic. This variant has not been reported in the literature in individuals affected with CTNNA1-related conditions. This variant is not present in population databases (gnomAD no frequency).

Literature cited by the submitters: PubMed 32051609; PubMed 34425242.